The following is an entry in ClinVar:

NM_001556.3(IKBKB):c.509C>T (p.Ala170Val)

Gene: IKBKB (inhibitor of nuclear factor kappa B kinase subunit beta; plus strand). Cytogenetic location: 8p11.21.
Variant type: single nucleotide variant.
Coding change: c.509C>T on transcript NM_001556.3 (MANE Select); coding-DNA position 509, C replaced by T.
Protein change: p.Ala170Val; replaces alanine 170 with valine.
Molecular consequence: missense variant. On other transcripts: non-coding transcript variant (3).
Genome position (GRCh38, 1-based): chr8:42,306,374, C>T. VCF-style: chr8-42306374-C-T. GRCh37 (hg19) VCF-style: chr8-42163892-C-T.
Other names: c.317C>T, p.Ala106Val (NM_001190720.3); c.332C>T, p.Ala111Val (NM_001242778.2); short protein forms A170V, A111V, A106V.
Identifiers: ClinVar variation 541642 (VCV000541642.1), dbSNP rs1554518965, ClinGen allele CA371094691.
Genomic context (GRCh38, chr8:42,306,374, plus strand): 5'-CCTCAGCTTTCTCCTTCCTTTTGTTTTAGTTAATACACAAAATTATTGACCTAGGATATG[C>T]CAAGGAGCTGGATCAGGGCAGTCTTTGCACATCATTCGTGGGGACCCTGCAGTACCTGGT-3'
Protein context (NP_001547.1, residues 160-180): LIHKIIDLGY[Ala170Val]KELDQGSLCT

ClinVar aggregate classification (germline): Uncertain significance (1 of 4 stars; one submission).

Conditions:
Severe combined immunodeficiency due to IKK2 deficiency. Also called: IMMUNODEFICIENCY 15B; Immunodeficiency 15. Identifiers: Orphanet 397787, MedGen C4747743, MONDO:0014267, OMIM 615592.

Submission:

Labcorp Genetics (formerly Invitae), Labcorp
Classification: Uncertain significance for Severe combined immunodeficiency due to IKK2 deficiency. Last evaluated: 2017-12-29. Review status: criteria provided, single submitter. Criteria: Invitae Variant Classification Sherloc (09022015). Collection method: clinical testing. Allele origin: germline.
Comment: This sequence change replaces alanine with valine at codon 170 of the IKBKB protein (p.Ala170Val). The alanine residue is highly conserved and there is a small physicochemical difference between alanine and valine. This variant is not present in population databases (ExAC no frequency). This variant has not been reported in the literature in individuals with IKBKB-related disease. Algorithms developed to predict the effect of missense changes on protein structure and function (SIFT, PolyPhen-2, Align-GVGD) all suggest that this variant is likely to be disruptive, but these predictions have not been confirmed by published functional studies and their clinical significance is uncertain. In summary, the available evidence is currently insufficient to determine the role of this variant in disease. Therefore, it has been classified as a Variant of Uncertain Significance.